The following is an entry in ClinVar:

NM_000117.3(EMD):c.180C>G (p.Ser60Arg)

Gene: EMD (emerin; plus strand). Cytogenetic location: Xq28.
Variant type: single nucleotide variant.
Coding change: c.180C>G on transcript NM_000117.3 (MANE Select); coding-DNA position 180, C replaced by G.
Protein change: p.Ser60Arg; replaces serine 60 with arginine.
Molecular consequence: missense variant.
Genome position (GRCh38, 1-based): chrX:154,379,787, C>G. VCF-style: chrX-154379787-C-G. GRCh37 (hg19) VCF-style: chrX-153608147-C-G.
Other names: short protein forms S60R.
Identifiers: ClinVar variation 936526 (VCV000936526.1), dbSNP rs2067875771, ClinGen allele CA415257554.
Genomic context (GRCh38, chrX:154,379,787, plus strand): 5'-GTACGAGACCCAGAGGCGGCGGCTCTCGCCCCCCAGCTCGTCCGCCGCCTCCTCTTATAG[C>G]TTCTCTGGTGAGAGCCTCGCCTGTGGGGACAGCCTGGGACGCGGGGAGGATGGGGTCGCG-3'
Protein context (NP_000108.1, residues 50-70): PPSSSAASSY[Ser60Arg]FSDLNSTRGD

ClinVar aggregate classification (germline): Uncertain significance (1 of 4 stars; one submission).

Conditions:
X-linked Emery-Dreifuss muscular dystrophy. Also called: Muscular dystrophy, tardive Emery-Dreifuss type, with contractures. Identifiers: Orphanet 261, Orphanet 98863, MedGen C0751337, MONDO:0010680.

gnomAD v4.1: 2 of 1,204,159 alleles (0.00017%); highest among the groups gnomAD compares: Non-Finnish European, 0.00011%; no homozygotes.

Submission:

Labcorp Genetics (formerly Invitae), Labcorp
Classification: Uncertain significance for Emery-Dreifuss muscular dystrophy 1, X-linked. Last evaluated: 2019-08-01. Review status: criteria provided, single submitter. Criteria: Invitae Variant Classification Sherloc (09022015). Collection method: clinical testing. Allele origin: germline.
Comment: This sequence change replaces serine with arginine at codon 60 of the EMD protein (p.Ser60Arg). The serine residue is weakly conserved and there is a moderate physicochemical difference between serine and arginine. This variant is not present in population databases (ExAC no frequency). This variant has not been reported in the literature in individuals with EMD-related conditions. Algorithms developed to predict the effect of missense changes on protein structure and function output the following: SIFT: "Tolerated"; PolyPhen-2: "Benign"; Align-GVGD: "Class C0". The arginine amino acid residue is found in multiple mammalian species, suggesting that this missense change does not adversely affect protein function. These predictions have not been confirmed by published functional studies and their clinical significance is uncertain. In summary, the available evidence is currently insufficient to determine the role of this variant in disease. Therefore, it has been classified as a Variant of Uncertain Significance.